The following is an entry in ClinVar:

NM_004380.3(CREBBP):c.4899C>T (p.Phe1633=)

Gene: CREBBP (CREB binding lysine acetyltransferase; minus strand). Cytogenetic location: 16p13.3.
Variant type: single nucleotide variant.
Coding change: c.4899C>T on transcript NM_004380.3 (MANE Select); coding-DNA position 4899, C replaced by T.
Protein change: p.Phe1633=; no amino-acid change (phenylalanine 1633 retained).
Molecular consequence: synonymous variant.
Genome position (GRCh38, 1-based): chr16:3,731,465, G>A on the plus strand (C>T on the coding strand, the complement: CREBBP is on the minus strand). VCF-style: chr16-3731465-G-A. GRCh37 (hg19) VCF-style: chr16-3781466-G-A.
Other names: c.4899C>T (NM_004380.2); c.4785C>T, p.Phe1595= (NM_001079846.1).
Identifiers: ClinVar variation 2061618 (VCV002061618.7), dbSNP rs750086197, ClinGen allele CA7869384.

ClinVar aggregate classification (germline): Likely benign. Review status: criteria provided, multiple submitters, no conflicts (2 of 4 stars). 3 submissions from 3 submitters: Likely benign (2). 1 of the submissions does not count toward it. Last evaluated 2025-11-03.

Conditions:
Rubinstein-Taybi syndrome (RSTS). Identifiers: Orphanet 783, MedGen C0035934, MONDO:0019188.
CREBBP-related disorder. Also called: CREBBP-related disorders; CREBBP-related condition.

Allele frequency attached by ClinVar (database versions not stated): gnomAD 0.00001; ExAC 0.00002; TOPMed 0.00002.
gnomAD v4.1: 21 of 1,587,214 alleles (0.0013%); highest among the groups gnomAD compares: Admixed American, 0.0092%; no homozygotes.

Submissions (3):

Labcorp Genetics (formerly Invitae), Labcorp
Classification: Likely benign for Rubinstein-Taybi syndrome. Last evaluated: 2025-11-03. Review status: criteria provided, single submitter. Criteria: Invitae Variant Classification Sherloc (09022015). Collection method: clinical testing. Allele origin: germline.

Blueprint Genetics
Classification: Likely benign. Last evaluated: 2022-12-28. Review status: criteria provided, single submitter. Criteria: ACMG Guidelines, 2015. Collection method: clinical testing. Allele origin: germline.

PreventionGenetics, part of Exact Sciences
Classification: Likely benign for CREBBP-related condition. Last evaluated: 2022-11-01. Review status: no assertion criteria provided. Collection method: clinical testing. Allele origin: germline. Not counted in ClinVar's aggregate classification.
Comment: This variant is classified as likely benign based on ACMG/AMP sequence variant interpretation guidelines (Richards et al. 2015 PMID: 25741868, with internal and published modifications).